The following is an entry in ClinVar:

NM_138927.4(SON):c.416_417insT (p.Lys139fs)

Gene: SON (SON DNA and RNA binding protein; plus strand). Cytogenetic location: 21q22.11.
Variant type: Insertion.
Coding change: c.416_417insT on transcript NM_138927.4 (MANE Select); coding-DNA positions 416 to 417, T inserted.
Protein change: p.Lys139fs; shifts the reading frame from lysine 139.
Molecular consequence: frameshift variant. On other transcripts: non-coding transcript variant (1), intron variant (1).
Genome position: GRCh38 VCF-style: chr21-33549647-A-AT. GRCh37 (hg19) VCF-style: chr21-34921953-A-AT.
Other names: c.416_417insT, p.Lys139fs (NM_001291411.2, NM_032195.3); c.244+3268_244+3269insT (NM_001291412.3); short protein forms K139fs.
Identifiers: ClinVar variation 504111 (VCV000504111.3), dbSNP rs1555898000, ClinGen allele CA658799416.

ClinVar aggregate classification (germline): Pathogenic (1 of 4 stars; one submission).

Submission:

GeneDx
Classification: Pathogenic. Last evaluated: 2020-11-24. Review status: criteria provided, single submitter. Criteria: GeneDx Variant Classification Process June 2021. Collection method: clinical testing. Allele origin: germline. Affected: yes.
Comment: Frameshift variant predicted to result in protein truncation or nonsense mediated decay in a gene for which loss-of-function is a known mechanism of disease; Not observed in large population cohorts (Lek et al., 2016); Has not been previously published as pathogenic or benign to our knowledge